The following is an entry in ClinVar:

NM_001111067.4(ACVR1):c.1394C>T (p.Pro465Leu)

Gene: ACVR1 (activin A receptor type 1; minus strand). Cytogenetic location: 2q24.1.
Variant type: single nucleotide variant.
Coding change: c.1394C>T on transcript NM_001111067.4 (MANE Select); coding-DNA position 1394, C replaced by T.
Protein change: p.Pro465Leu; replaces proline 465 with leucine.
Molecular consequence: missense variant.
Genome position (GRCh38, 1-based): chr2:157,738,441, G>A on the plus strand (C>T on the coding strand, the complement: ACVR1 is on the minus strand). VCF-style: chr2-157738441-G-A. GRCh37 (hg19) VCF-style: chr2-158594953-G-A.
Other names: c.1394C>T, p.Pro465Leu (NM_001105.5, NM_001347663.1, NM_001347664.1 and 3 more transcripts); c.1394C>T (NM_001105.4); short protein forms P465L.
Identifiers: ClinVar variation 2146537 (VCV002146537.5), dbSNP rs750457181, ClinGen allele CA1918964.
Genomic context (GRCh38, chr2:157,738,441, plus strand): 5'-GGGAAACAAATAGCAAACAATGGAAAAGAGCTCTAAAACTGAGAAACTGGCATTCTTACC[G>A]GGTCTGAGAACCATCTGTTGGGTATGTTTGGCCTTTGTTGATCCACACAGACTACCTTCC-3'
Protein context (NP_001104537.1, residues 455-475): PNIPNRWFSD[Pro465Leu]TLTSLAKLMK

ClinVar aggregate classification (germline): Conflicting classifications of pathogenicity. Review status: criteria provided, conflicting classifications (1 of 4 stars). 2 submissions from 2 submitters: Uncertain significance (1); Likely benign (1). Last evaluated 2026-01-11.

Conditions:
Inborn genetic diseases. Identifiers: MedGen C0950123, MeSH D030342.

Allele frequency attached by ClinVar (database versions not stated): gnomAD 0.00001; TOPMed 0.00002; ExAC 0.00006.
gnomAD v4.1: 74 of 1,613,924 alleles (0.0046%); highest among the groups gnomAD compares: South Asian, 0.025%; no homozygotes.

Submissions (2):

Labcorp Genetics (formerly Invitae), Labcorp
Classification: Uncertain significance. Last evaluated: 2026-01-11. Review status: criteria provided, single submitter. Criteria: Invitae Variant Classification Sherloc (09022015). Collection method: clinical testing. Allele origin: germline.
Comment: This sequence change replaces proline, which is neutral and non-polar, with leucine, which is neutral and non-polar, at codon 465 of the ACVR1 protein (p.Pro465Leu). This variant is present in population databases (rs750457181, gnomAD 0.04%), and has an allele count higher than expected for a pathogenic variant. This variant has not been reported in the literature in individuals affected with ACVR1-related conditions. ClinVar contains an entry for this variant (Variation ID: 2146537). An algorithm developed to predict the effect of missense changes on protein structure and function (PolyPhen-2) suggests that this variant is likely to be tolerated. In summary, the available evidence is currently insufficient to determine the role of this variant in disease. Therefore, it has been classified as a Variant of Uncertain Significance.

Ambry Genetics
Classification: Likely benign for Inborn genetic diseases. Last evaluated: 2021-10-20. Review status: criteria provided, single submitter. Criteria: Ambry Variant Classification Scheme 2023. Collection method: clinical testing. Allele origin: germline.